The following is an entry in ClinVar:

NM_000059.4(BRCA2):c.9118-3T>C

Gene: BRCA2 (BRCA2 DNA repair associated; plus strand). Cytogenetic location: 13q13.1.
Variant type: single nucleotide variant.
Coding change: c.9118-3T>C on transcript NM_000059.4 (MANE Select); 3 bases into the intron before coding-DNA position 9118, T replaced by C.
Molecular consequence: intron variant.
Genome position (GRCh38, 1-based): chr13:32,380,004, T>C. VCF-style: chr13-32380004-T-C. GRCh37 (hg19) VCF-style: chr13-32954141-T-C.
Identifiers: ClinVar variation 387896 (VCV000387896.5), dbSNP rs1057522934, ClinGen allele CA16606828.

ClinVar aggregate classification (germline): Conflicting classifications of pathogenicity. Review status: criteria provided, conflicting classifications (1 of 4 stars). 3 submissions from 3 submitters: Uncertain significance (1); Benign (1); Likely benign (1). Last evaluated 2025-12-12.

Conditions:
Hereditary breast ovarian cancer syndrome. Also called: Hereditary breast and ovarian cancer syndrome; BRCA1- and BRCA2-Associated Hereditary Breast and Ovarian Cancer; Hereditary breast and ovarian cancer; Hereditary breast and/or ovarian cancer syndrome; Hereditary breast and ovarian cancer syndrome (HBOC); Breast and ovarian cancer. Identifiers: Orphanet 145, MedGen C0677776, MeSH D061325, MONDO:0003582. Disease mechanism: loss of function.
Hereditary cancer-predisposing syndrome. Also called: Hereditary Cancer Syndrome; Hereditary neoplastic syndrome; Neoplastic Syndromes, Hereditary; Tumor predisposition. Identifiers: Orphanet 140162, MedGen C0027672, MeSH D009386, MONDO:0015356.

Submissions (3):

Ambry Genetics
Classification: Benign for Hereditary cancer-predisposing syndrome. Last evaluated: 2025-12-12. Review status: criteria provided, single submitter. Criteria: Ambry Variant Classification Scheme 2023. Collection method: clinical testing. Allele origin: germline.

Labcorp Genetics (formerly Invitae), Labcorp
Classification: Uncertain significance for Hereditary breast ovarian cancer syndrome. Last evaluated: 2022-11-07. Review status: criteria provided, single submitter. Criteria: Invitae Variant Classification Sherloc (09022015). Collection method: clinical testing. Allele origin: germline.
Comment: This sequence change falls in intron 23 of the BRCA2 gene. It does not directly change the encoded amino acid sequence of the BRCA2 protein. It affects a nucleotide within the consensus splice site. In summary, the available evidence is currently insufficient to determine the role of this variant in disease. Therefore, it has been classified as a Variant of Uncertain Significance. Variants that disrupt the consensus splice site are a relatively common cause of aberrant splicing (PMID: 17576681, 9536098). Algorithms developed to predict the effect of sequence changes on RNA splicing suggest that this variant may disrupt the consensus splice site. ClinVar contains an entry for this variant (Variation ID: 387896). This variant has not been reported in the literature in individuals affected with BRCA2-related conditions. This variant is not present in population databases (gnomAD no frequency).

GeneDx
Classification: Likely benign. Last evaluated: 2016-07-14. Review status: criteria provided, single submitter. Criteria: GeneDx Variant Classification (06012015). Collection method: clinical testing. Allele origin: germline. Affected: yes.
Comment: This variant is considered likely benign or benign based on one or more of the following criteria: it is a conservative change, it occurs at a poorly conserved position in the protein, it is predicted to be benign by multiple in silico algorithms, and/or has population frequency not consistent with disease.

Literature cited by the submitters: PubMed 17576681 (cited by Labcorp Genetics (formerly Invitae), Labcorp); PubMed 9536098 (cited by Labcorp Genetics (formerly Invitae), Labcorp).